The following is an entry in ClinVar:

ClinVar aggregate classification (germline): Uncertain significance. Review status: criteria provided, multiple submitters, no conflicts (2 of 4 stars). 3 submissions from 3 submitters: Uncertain significance (3). Last evaluated 2026-01-27.

Allele frequency attached by ClinVar (database versions not stated): gnomAD exomes 0.00002; ExAC 0.00002; TOPMed 0.00002.

Submissions (3):

Labcorp Genetics (formerly Invitae), Labcorp
Classification: Uncertain significance. Last evaluated: 2026-01-27. Review status: criteria provided, single submitter. Criteria: Invitae Variant Classification Sherloc (09022015). Collection method: clinical testing. Allele origin: germline.
Comment: This sequence change replaces arginine, which is basic and polar, with tryptophan, which is neutral and slightly polar, at codon 238 of the FGFR3 protein (p.Arg238Trp). This variant is present in population databases (rs766423062, gnomAD 0.01%). This missense change has been observed in individual(s) with clinical features of FGFR3-related conditions (PMID: 33057194). ClinVar contains an entry for this variant (Variation ID: 286982). Invitae Evidence Modeling of protein sequence and biophysical properties (such as structural, functional, and spatial information, amino acid conservation, physicochemical variation, residue mobility, and thermodynamic stability) indicates that this missense variant is not expected to disrupt FGFR3 protein function with a negative predictive value of 80%. In summary, the available evidence is currently insufficient to determine the role of this variant in disease. Therefore, it has been classified as a Variant of Uncertain Significance.

GeneDx
Classification: Uncertain significance. Last evaluated: 2020-06-26. Review status: criteria provided, single submitter. Criteria: GeneDx Variant Classification Process June 2021. Collection method: clinical testing. Allele origin: germline. Affected: yes.
Comment: Has not been previously published as pathogenic or benign to our knowledge; In silico analysis supports that this missense variant has a deleterious effect on protein structure/function

Eurofins Ntd Llc (ga)
Classification: Uncertain significance. Last evaluated: 2016-03-30. Review status: criteria provided, single submitter. Criteria: EGL Classification Definitions 2015. Collection method: clinical testing. Allele origin: germline. Observed: 2 variant alleles, 2 heterozygotes.

Literature cited by the submitters: PubMed 33057194 (cited by Labcorp Genetics (formerly Invitae), Labcorp).

NM_000142.5(FGFR3):c.712C>T (p.Arg238Trp)

Gene: FGFR3 (fibroblast growth factor receptor 3; plus strand). Cytogenetic location: 4p16.3.
Variant type: single nucleotide variant.
Coding change: c.712C>T on transcript NM_000142.5 (MANE Select); coding-DNA position 712, C replaced by T.
Protein change: p.Arg238Trp; replaces arginine 238 with tryptophan.
Molecular consequence: missense variant. On other transcripts: non-coding transcript variant (1).
Genome position (GRCh38, 1-based): chr4:1,801,716, C>T. VCF-style: chr4-1801716-C-T. GRCh37 (hg19) VCF-style: chr4-1803443-C-T.
Other names: c.712C>T, p.Arg238Trp (NM_001163213.2, NM_001354809.2, NM_001354810.2 and 1 more transcripts); short protein forms R238W.
Identifiers: ClinVar variation 286982 (VCV000286982.15), dbSNP rs766423062, ClinGen allele CA2809927.